The following is an entry in ClinVar:

ClinVar aggregate classification (germline): Uncertain significance (1 of 4 stars; one submission).

Conditions:
Inborn genetic diseases. Identifiers: MedGen C0950123, MeSH D030342.

Submission:

Ambry Genetics
Classification: Uncertain significance for Inborn genetic diseases. Last evaluated: 2026-07-21. Review status: criteria provided, single submitter. Criteria: Ambry Variant Classification Scheme 2023. Collection method: clinical testing. Allele origin: germline.
Comment: The p.Y291C variant (also known as c.872A>G), located in coding exon 6 of the MECOM gene, results from an A to G substitution at nucleotide position 872. The tyrosine at codon 291 is replaced by cysteine, an amino acid with highly dissimilar properties. This amino acid position is conserved. In addition, this alteration is predicted to be deleterious by in silico analysis. Based on the available evidence, the clinical significance of this variant remains unclear.

NM_004991.4(MECOM):c.872A>G (p.Tyr291Cys)

Gene: MECOM (MDS1 and EVI1 complex locus; minus strand). Cytogenetic location: 3q26.2.
Variant type: single nucleotide variant.
Coding change: c.872A>G on transcript NM_004991.4 (MANE Select); coding-DNA position 872, A replaced by G.
Protein change: p.Tyr291Cys; replaces tyrosine 291 with cysteine.
Molecular consequence: missense variant.
Genome position (GRCh38, 1-based): chr3:169,122,686, T>C on the plus strand (A>G on the coding strand, the complement: MECOM is on the minus strand). VCF-style: chr3-169122686-T-C. GRCh37 (hg19) VCF-style: chr3-168840474-T-C.
Other names: c.500A>G, p.Tyr167Cys (NM_001105077.4); c.308A>G, p.Tyr103Cys (NM_001105078.4, NM_001163999.2, NM_001164000.2 and 9 more transcripts); c.872A>G, p.Tyr291Cys (NM_001366466.2, NM_001366473.2); short protein forms Y103C, Y167C, Y291C.
Identifiers: ClinVar variation 5024144 (VCV005024144.1).